The following is an entry in ClinVar:

ClinVar aggregate classification (germline): Uncertain significance (1 of 4 stars; one submission).

Allele frequency attached by ClinVar (database versions not stated): TOPMed 0.00001.

Submission:

Labcorp Genetics (formerly Invitae), Labcorp
Classification: Uncertain significance. Last evaluated: 2023-07-19. Review status: criteria provided, single submitter. Criteria: Invitae Variant Classification Sherloc (09022015). Collection method: clinical testing. Allele origin: germline.
Comment: This sequence change replaces tryptophan, which is neutral and slightly polar, with leucine, which is neutral and non-polar, at codon 103 of the ADCY5 protein (p.Trp103Leu). This variant is not present in population databases (gnomAD no frequency). This variant has not been reported in the literature in individuals affected with ADCY5-related conditions. Advanced modeling of protein sequence and biophysical properties (such as structural, functional, and spatial information, amino acid conservation, physicochemical variation, residue mobility, and thermodynamic stability) has been performed at Invitae for this missense variant, however the output from this modeling did not meet the statistical confidence thresholds required to predict the impact of this variant on ADCY5 protein function. In summary, the available evidence is currently insufficient to determine the role of this variant in disease. Therefore, it has been classified as a Variant of Uncertain Significance.

NM_183357.3(ADCY5):c.308G>T (p.Trp103Leu)

Gene: ADCY5 (adenylate cyclase 5; minus strand). Cytogenetic location: 3q21.1.
Variant type: single nucleotide variant.
Coding change: c.308G>T on transcript NM_183357.3 (MANE Select); coding-DNA position 308, G replaced by T.
Protein change: p.Trp103Leu; replaces tryptophan 103 with leucine.
Molecular consequence: missense variant.
Genome position (GRCh38, 1-based): chr3:123,448,238, C>A on the plus strand (G>T on the coding strand, the complement: ADCY5 is on the minus strand). VCF-style: chr3-123448238-C-A. GRCh37 (hg19) VCF-style: chr3-123167085-C-A.
Other names: c.308G>T, p.Trp103Leu (NM_001378259.1); short protein forms W103L.
Identifiers: ClinVar variation 2871196 (VCV002871196.3), dbSNP rs1945865120, ClinGen allele CA354358403.
Genomic context (GRCh38, chr3:123,448,238, plus strand): 5'-GCCGCGCCCCGCCGCTGCCGGCGGCTGCCGCGACCGCAGTCGTCGCCGCCGCGCTCCTGC[C>A]AGGCGGACTTGGAGCGGAAGCTGAAGCCGAAGCCCCCGGCCAGGGGGTCGTCACCGCTCA-3'
Protein context (NP_899200.1, residues 93-113): FGFSFRSKSA[Trp103Leu]QERGGDDCGR